The following is an entry in ClinVar:

NM_020458.4(TTC7A):c.348+4A>G

Gene: TTC7A (tetratricopeptide repeat domain 7A; plus strand). Cytogenetic location: 2p21.
Variant type: single nucleotide variant.
Coding change: c.348+4A>G on transcript NM_020458.4 (MANE Select); 4 bases into the intron after coding-DNA position 348, A replaced by G.
Molecular consequence: intron variant.
Genome position (GRCh38, 1-based): chr2:46,950,530, A>G. VCF-style: chr2-46950530-A-G. GRCh37 (hg19) VCF-style: chr2-47177669-A-G.
Other names: c.246+4A>G (NM_001288953.2); c.348+4A>G (NM_001288951.2); c.-557+4A>G (NM_001288955.2).
Identifiers: ClinVar variation 1483669 (VCV001483669.1), dbSNP rs1417579293, ClinGen allele CA532704482.

ClinVar aggregate classification (germline): Uncertain significance (1 of 4 stars; one submission).

Conditions:
Multiple gastrointestinal atresias. Also called: Multiple intestinal atresia; FAMILIAL INTESTINAL POLYATRESIA SYNDROME. Identifiers: Orphanet 2300, MedGen C0220744, MONDO:0009465.

Allele frequency attached by ClinVar (database versions not stated): gnomAD exomes 0.00001; TOPMed 0.00002.
gnomAD v4.1: 4 of 1,613,906 alleles (0.00025%); highest among the groups gnomAD compares: Admixed American, 0.0067%; no homozygotes.

Submission:

Labcorp Genetics (formerly Invitae), Labcorp
Classification: Uncertain significance for Multiple gastrointestinal atresias. Last evaluated: 2020-11-05. Review status: criteria provided, single submitter. Criteria: Invitae Variant Classification Sherloc (09022015). Collection method: clinical testing. Allele origin: germline.
Comment: This sequence change falls in intron 2 of the TTC7A gene. It does not directly change the encoded amino acid sequence of the TTC7A protein. It affects a nucleotide within the consensus splice site of the intron. This variant is not present in population databases (ExAC no frequency). This variant has not been reported in the literature in individuals with TTC7A-related conditions. Nucleotide substitutions within the consensus splice site are a relatively common cause of aberrant splicing (PMID: 17576681, 9536098). Algorithms developed to predict the effect of sequence changes on RNA splicing suggest that this variant may disrupt the consensus splice site, but this prediction has not been confirmed by published transcriptional studies. In summary, the available evidence is currently insufficient to determine the role of this variant in disease. Therefore, it has been classified as a Variant of Uncertain Significance.

Literature cited by the submitters: PubMed 17576681; PubMed 9536098.